The following is an entry in ClinVar:

ClinVar aggregate classification (germline): Uncertain significance. Review status: criteria provided, multiple submitters, no conflicts (2 of 4 stars). 2 submissions from 2 submitters: Uncertain significance (2). Last evaluated 2025-11-08.

Conditions:
Neuroblastoma, susceptibility to, 3. Also called: ALK-Related Neuroblastic Tumor Susceptibility. Identifiers: Orphanet 635, MedGen C2751681, MONDO:0013083, OMIM 613014.
Hereditary cancer-predisposing syndrome. Also called: Hereditary neoplastic syndrome; Neoplastic Syndromes, Hereditary; Tumor predisposition; Hereditary Cancer Syndrome. Identifiers: Orphanet 140162, MedGen C0027672, MeSH D009386, MONDO:0015356.

Submissions (2):

Ambry Genetics
Classification: Uncertain significance for Hereditary cancer-predisposing syndrome. Last evaluated: 2025-11-08. Review status: criteria provided, single submitter. Criteria: Ambry Variant Classification Scheme 2023. Collection method: clinical testing. Allele origin: germline.
Comment: The p.G761S variant (also known as c.2281G>A), located in coding exon 13 of the ALK gene, results from a G to A substitution at nucleotide position 2281. The glycine at codon 761 is replaced by serine, an amino acid with similar properties. This amino acid position is conserved. In addition, the in silico prediction for this alteration is inconclusive. Since supporting evidence is limited at this time, the clinical significance of this alteration remains unclear.

Labcorp Genetics (formerly Invitae), Labcorp
Classification: Uncertain significance for Neuroblastoma, susceptibility to, 3. Last evaluated: 2022-10-21. Review status: criteria provided, single submitter. Criteria: Invitae Variant Classification Sherloc (09022015). Collection method: clinical testing. Allele origin: germline.
Comment: This variant is not present in population databases (gnomAD no frequency). In summary, the available evidence is currently insufficient to determine the role of this variant in disease. Therefore, it has been classified as a Variant of Uncertain Significance. Algorithms developed to predict the effect of missense changes on protein structure and function (SIFT, PolyPhen-2, Align-GVGD) all suggest that this variant is likely to be disruptive. ClinVar contains an entry for this variant (Variation ID: 1007469). This variant has not been reported in the literature in individuals affected with ALK-related conditions. This sequence change replaces glycine, which is neutral and non-polar, with serine, which is neutral and polar, at codon 761 of the ALK protein (p.Gly761Ser).

NM_004304.5(ALK):c.2281G>A (p.Gly761Ser)

Gene: ALK (ALK receptor tyrosine kinase; minus strand). Cytogenetic location: 2p23.2.
Variant type: single nucleotide variant.
Coding change: c.2281G>A on transcript NM_004304.5 (MANE Select); coding-DNA position 2281, G replaced by A.
Protein change: p.Gly761Ser; replaces glycine 761 with serine.
Molecular consequence: missense variant.
Genome position (GRCh38, 1-based): chr2:29,239,754, C>T on the plus strand (G>A on the coding strand, the complement: ALK is on the minus strand). VCF-style: chr2-29239754-C-T. GRCh37 (hg19) VCF-style: chr2-29462620-C-T.
Other names: c.2281G>A (NM_004304.4); short protein forms G761S.
Identifiers: ClinVar variation 1007469 (VCV001007469.8), dbSNP rs1664474572, ClinGen allele CA346474497.